The following is an entry in ClinVar:

NM_000179.3(MSH6):c.1690T>G (p.Ser564Ala)

Gene: MSH6 (mutS homolog 6; plus strand). Cytogenetic location: 2p16.3.
Variant type: single nucleotide variant.
Coding change: c.1690T>G on transcript NM_000179.3 (MANE Select); coding-DNA position 1690, T replaced by G.
Protein change: p.Ser564Ala; replaces serine 564 with alanine.
Molecular consequence: missense variant. On other transcripts: non-coding transcript variant (4), intron variant (2).
Genome position (GRCh38, 1-based): chr2:47,799,673, T>G. VCF-style: chr2-47799673-T-G. GRCh37 (hg19) VCF-style: chr2-48026812-T-G.
Other names: c.1393T>G, p.Ser465Ala (NM_001406805.1, NM_001406827.1, NM_001406828.1 and 10 more transcripts); c.1165T>G, p.Ser389Ala (NM_001406806.1, NM_001406807.1, NM_001406799.1); c.1690T>G, p.Ser564Ala (NM_001406808.1, NM_001406809.1, NM_001406796.1 and 3 more transcripts); c.784T>G, p.Ser262Ala (NM_001406811.1, NM_001406812.1, NM_001406814.1 and 6 more transcripts); c.1696T>G, p.Ser566Ala (NM_001406813.1); c.1522T>G, p.Ser508Ala (NM_001406826.1); c.1606+84T>G (NM_001406817.1); c.628-993T>G (NM_001407362.1); and 3 more; short protein forms S262A, S434A, S564A, S538A, S465A, S508A, S566A, S596A.
Identifiers: ClinVar variation 2855998 (VCV002855998.3), dbSNP rs876661163, ClinGen allele CA346747521.

ClinVar aggregate classification (germline): Uncertain significance (1 of 4 stars; one submission).

Conditions:
Hereditary nonpolyposis colorectal neoplasms. Identifiers: MedGen C0009405, MeSH D003123.

Submission:

Labcorp Genetics (formerly Invitae), Labcorp
Classification: Uncertain significance for Hereditary nonpolyposis colorectal neoplasms. Last evaluated: 2023-04-14. Review status: criteria provided, single submitter. Criteria: Invitae Variant Classification Sherloc (09022015). Collection method: clinical testing. Allele origin: germline.
Comment: This variant is not present in population databases (gnomAD no frequency). In summary, the available evidence is currently insufficient to determine the role of this variant in disease. Therefore, it has been classified as a Variant of Uncertain Significance. Advanced modeling of protein sequence and biophysical properties (such as structural, functional, and spatial information, amino acid conservation, physicochemical variation, residue mobility, and thermodynamic stability) performed at Invitae indicates that this missense variant is not expected to disrupt MSH6 protein function. This variant has not been reported in the literature in individuals affected with MSH6-related conditions. This sequence change replaces serine, which is neutral and polar, with alanine, which is neutral and non-polar, at codon 564 of the MSH6 protein (p.Ser564Ala).